The following is an entry in ClinVar:

ClinVar aggregate classification (germline): Uncertain significance. Review status: criteria provided, multiple submitters, no conflicts (2 of 4 stars). 2 submissions from 2 submitters: Uncertain significance (2). Last evaluated 2022-11-17.

Conditions:
Charcot-Marie-Tooth disease type 2. Also called: Charcot-Marie-Tooth type 2. Identifiers: Orphanet 64746, MedGen C0270914, MONDO:0018993.
Cardiovascular phenotype. Identifiers: MedGen CN230736.

Submissions (2):

Labcorp Genetics (formerly Invitae), Labcorp
Classification: Uncertain significance for Charcot-Marie-Tooth disease type 2. Last evaluated: 2022-11-17. Review status: criteria provided, single submitter. Criteria: Invitae Variant Classification Sherloc (09022015). Collection method: clinical testing. Allele origin: germline.
Comment: This variant is not present in population databases (gnomAD no frequency). In summary, the available evidence is currently insufficient to determine the role of this variant in disease. Therefore, it has been classified as a Variant of Uncertain Significance. Algorithms developed to predict the effect of sequence changes on RNA splicing suggest that this variant may disrupt the consensus splice site. Advanced modeling of protein sequence and biophysical properties (such as structural, functional, and spatial information, amino acid conservation, physicochemical variation, residue mobility, and thermodynamic stability) has been performed at Invitae for this missense variant, however the output from this modeling did not meet the statistical confidence thresholds required to predict the impact of this variant on LMNA protein function. This variant has not been reported in the literature in individuals affected with LMNA-related conditions. This sequence change replaces serine, which is neutral and polar, with arginine, which is basic and polar, at codon 212 of the LMNA protein (p.Ser212Arg).

Ambry Genetics
Classification: Uncertain significance for Cardiovascular phenotype. Last evaluated: 2020-11-18. Review status: criteria provided, single submitter. Criteria: Ambry Variant Classification Scheme 2023. Collection method: clinical testing. Allele origin: germline.
Comment: The p.S212R variant (also known as c.634A>C), located in coding exon 3 of the LMNA gene, results from an A to C substitution at nucleotide position 634. The serine at codon 212 is replaced by arginine, an amino acid with dissimilar properties. This amino acid position is well conserved in available vertebrate species. In addition, the in silico prediction for this alteration is inconclusive. Since supporting evidence is limited at this time, the clinical significance of this alteration remains unclear.

NM_170707.4(LMNA):c.634A>C (p.Ser212Arg)

Gene: LMNA (lamin A/C; plus strand). Cytogenetic location: 1q22.
Variant type: single nucleotide variant.
Coding change: c.634A>C on transcript NM_170707.4 (MANE Select); coding-DNA position 634, A replaced by C.
Protein change: p.Ser212Arg; replaces serine 212 with arginine.
Molecular consequence: missense variant.
Genome position (GRCh38, 1-based): chr1:156,134,523, A>C. VCF-style: chr1-156134523-A-C. GRCh37 (hg19) VCF-style: chr1-156104314-A-C.
Other names: c.298A>C, p.Ser100Arg (NM_001257374.3, NM_001406989.1, NM_001406998.1); c.391A>C, p.Ser131Arg (NM_001282624.2, NM_001406986.1, NM_001406987.1); c.634A>C, p.Ser212Arg (NM_001282625.2, NM_001282626.2, NM_001406983.1 and 6 more transcripts); c.337A>C, p.Ser113Arg (NM_001406988.1); c.76A>C, p.Ser26Arg (NM_001406990.1, NM_001406993.1, NM_001406995.1 and 4 more transcripts); c.-31A>C (NM_001406994.1, NM_001406999.1, NM_001407000.1 and 1 more transcripts); short protein forms S131R, S212R, S26R, S100R, S113R.
Identifiers: ClinVar variation 1752986 (VCV001752986.7), dbSNP rs2527968725, ClinGen allele CA342817087.
Genomic context (GRCh38, chr1:156,134,523, plus strand): 5'-GATGCTGAGAACAGGCTGCAGACCATGAAGGAGGAACTGGACTTCCAGAAGAACATCTAC[A>C]GTGAGGTGGGGACTGTGCTTTGCAAGCCAGAGGGCTGGGGCTGGGTGATGACAGACTTGG-3'
Protein context (NP_733821.1, residues 202-222): EELDFQKNIY[Ser212Arg]EELRETKRRH